The following is an entry in ClinVar:

ClinVar aggregate classification (germline): Uncertain significance (1 of 4 stars; one submission).

Conditions:
KBG syndrome (KBGS). Also called: ANKRD11-Related KBG Syndrome. Identifiers: Orphanet 2332, MedGen C0220687, MONDO:0007846, OMIM 148050.

Allele frequency attached by ClinVar (database versions not stated): TOPMed below 0.00001; ExAC 0.00001; gnomAD 0.00001.
gnomAD v4.1: 9 of 1,614,046 alleles (0.00056%); highest among the groups gnomAD compares: African/African-American, 0.008%; no homozygotes.

Submission:

Labcorp Genetics (formerly Invitae), Labcorp
Classification: Uncertain significance for KBG syndrome. Last evaluated: 2022-11-07. Review status: criteria provided, single submitter. Criteria: Invitae Variant Classification Sherloc (09022015). Collection method: clinical testing. Allele origin: germline.
Comment: In summary, the available evidence is currently insufficient to determine the role of this variant in disease. Therefore, it has been classified as a Variant of Uncertain Significance. Advanced modeling of protein sequence and biophysical properties (such as structural, functional, and spatial information, amino acid conservation, physicochemical variation, residue mobility, and thermodynamic stability) performed at Invitae indicates that this missense variant is not expected to disrupt ANKRD11 protein function. This variant has not been reported in the literature in individuals affected with ANKRD11-related conditions. This variant is present in population databases (rs780632720, gnomAD 0.008%). This sequence change replaces proline, which is neutral and non-polar, with serine, which is neutral and polar, at codon 1747 of the ANKRD11 protein (p.Pro1747Ser).

NM_013275.6(ANKRD11):c.5239C>T (p.Pro1747Ser)

Gene: ANKRD11 (ankyrin repeat domain 11; minus strand). Cytogenetic location: 16q24.3.
Variant type: single nucleotide variant.
Coding change: c.5239C>T on transcript NM_013275.6 (MANE Select); coding-DNA position 5239, C replaced by T.
Protein change: p.Pro1747Ser; replaces proline 1747 with serine.
Molecular consequence: missense variant.
Genome position (GRCh38, 1-based): chr16:89,281,303, G>A on the plus strand (C>T on the coding strand, the complement: ANKRD11 is on the minus strand). VCF-style: chr16-89281303-G-A. GRCh37 (hg19) VCF-style: chr16-89347711-G-A.
Other names: c.5239C>T, p.Pro1747Ser (NM_001256182.2, NM_001256183.2); short protein forms P1747S.
Identifiers: ClinVar variation 2814641 (VCV002814641.3), dbSNP rs780632720, ClinGen allele CA8241896.